The following is an entry in ClinVar:

ClinVar aggregate classification (germline): Uncertain significance (1 of 4 stars; one submission).

gnomAD v4.1: 20 of 1,613,842 alleles (0.0012%); highest among the groups gnomAD compares: East Asian, 0.0089%; no homozygotes.

Submission:

Mayo Clinic Laboratories, Mayo Clinic
Classification: Uncertain significance. Last evaluated: 2024-12-17. Review status: criteria provided, single submitter. Criteria: ACMG Guidelines, 2015. Collection method: clinical testing. Allele origin: germline. Observed: 1 variant allele.
Comment: PM2_supporting

NM_003104.6(SORD):c.367C>G (p.Pro123Ala)

Gene: SORD (sorbitol dehydrogenase; plus strand). Cytogenetic location: 15q21.1.
Variant type: single nucleotide variant.
Coding change: c.367C>G on transcript NM_003104.6 (MANE Select); coding-DNA position 367, C replaced by G.
Protein change: p.Pro123Ala; replaces proline 123 with alanine.
Molecular consequence: missense variant. On other transcripts: non-coding transcript variant (1).
Genome position (GRCh38, 1-based): chr15:45,061,168, C>G. VCF-style: chr15-45061168-C-G. GRCh37 (hg19) VCF-style: chr15-45353366-C-G.
Other names: p.Pro123Ala; short protein forms P123A.
Identifiers: ClinVar variation 4541941 (VCV004541941.1).
Genomic context (GRCh38, chr15:45,061,168, plus strand): 5'-GATGAATTCTGCAAGATGGGCCGATACAATCTGTCACCTTCCATCTTCTTCTGTGCCACG[C>G]CCCCCGATGACGGGAACCTCTGCCGGTTCTATAAGCACAATGCAGCCTTTTGTTACAAGT-3'
Protein context (NP_003095.2, residues 113-133): LSPSIFFCAT[Pro123Ala]PDDGNLCRFY